The following is an entry in ClinVar:

ClinVar aggregate classification (germline): Pathogenic (1 of 4 stars; one submission).

Conditions:
Werner syndrome (WRN). Identifiers: Orphanet 902, MedGen C0043119, MONDO:0010196, OMIM 277700.

Submission:

Labcorp Genetics (formerly Invitae), Labcorp
Classification: Pathogenic for Werner syndrome. Last evaluated: 2022-03-07. Review status: criteria provided, single submitter. Criteria: Invitae Variant Classification Sherloc (09022015). Collection method: clinical testing. Allele origin: germline.
Comment: This sequence change creates a premature translational stop signal (p.His1001Glnfs*24) in the WRN gene. It is expected to result in an absent or disrupted protein product. Loss-of-function variants in WRN are known to be pathogenic (PMID: 16673358). For these reasons, this variant has been classified as Pathogenic. This variant has not been reported in the literature in individuals affected with WRN-related conditions. This variant is not present in population databases (gnomAD no frequency).

Literature cited by the submitters: PubMed 16673358.

NM_000553.6(WRN):c.3003_3004del (p.His1001fs)

Gene: WRN (WRN RecQ like helicase; plus strand). Cytogenetic location: 8p12.
Variant type: Microsatellite.
Coding change: c.3003_3004del on transcript NM_000553.6 (MANE Select); coding-DNA positions 3003 to 3004, 2 bases deleted (CA; older notation c.3003_3004delCA).
Protein change: p.His1001fs; shifts the reading frame from histidine 1001.
Molecular consequence: frameshift variant.
Genome position (GRCh38, 1-based): chr8:31,141,465-31,141,466, CA deleted; deleting any 2 consecutive bases within chr8:31,141,463-31,141,466 gives the same sequence; the c. name uses the placement nearest the transcript's 3' end. VCF-style (leftmost placement, unchanged base first): chr8-31141462-GCA-G. GRCh37 (hg19) VCF-style: chr8-30998978-GCA-G.
Other names: short protein forms H1001fs.
Identifiers: ClinVar variation 2164321 (VCV002164321.4), dbSNP rs2536029962, ClinGen allele CA2580614711.